The following is an entry in ClinVar:

ClinVar aggregate classification (germline): Pathogenic (1 of 4 stars; one submission).

Conditions:
Autosomal recessive nonsyndromic hearing loss 77. Identifiers: Orphanet 90636, MedGen C2746083, MONDO:0013119, OMIM 613079.

Submission:

Myriad Genetics, Inc.
Classification: Pathogenic for Autosomal recessive nonsyndromic hearing loss 77. Last evaluated: 2025-05-29. Review status: criteria provided, single submitter. Criteria: Myriad Autosomal Dominant, Autosomal Recessive and X-Linked Classification Criteria (2023). Collection method: clinical testing. Allele origin: unknown.
Comment: NM_144612.6(LOXHD1):c.3333_3337del5(D1111Efs*20) is a frameshift variant classified as pathogenic in the context of nonsyndromic hearing loss, LOXHD1-related. D1111Efs*20 has not been observed in cases with relevant disease. Relevant functional assessments of this variant are not available in the literature. D1111Efs*20 has not been observed in referenced population frequency databases. In summary, NM_144612.6(LOXHD1):c.3333_3337del5(D1111Efs*20) is a frameshift variant in a gene where loss of function is a known mechanism of disease and is predicted to disrupt protein function. Please note: this variant was assessed in the context of healthy population screening.

NM_001384474.1(LOXHD1):c.3333_3337del (p.Asp1111fs)

Gene: LOXHD1 (lipoxygenase homology PLAT domains 1; minus strand). Cytogenetic location: 18q21.1.
Variant type: Deletion.
Coding change: c.3333_3337del on transcript NM_001384474.1 (MANE Select); coding-DNA positions 3333 to 3337, 5 bases deleted (CATGA; older notation c.3333_3337delCATGA).
Protein change: p.Asp1111fs; shifts the reading frame from aspartic acid 1111.
Molecular consequence: frameshift variant. On other transcripts: initiator codon variant (1).
Genome position (GRCh38, 1-based): chr18:46,557,369-46,557,373, TCATG deleted on the plus strand (CATGA on the coding strand, the reverse complement: LOXHD1 is on the minus strand); deleting any 5 consecutive bases within chr18:46,557,369-46,557,376 gives the same sequence; the c. name uses the placement nearest the transcript's 3' end. VCF-style (leftmost placement, unchanged base first): chr18-46557368-TTCATG-T. GRCh37 (hg19) VCF-style: chr18-44137331-TTCATG-T.
Other names: c.-1_4del, p.Met1fs (NM_001145472.3); c.3333_3337del, p.Asp1111fs (NM_144612.7); short protein forms D1111fs, M1fs.
Identifiers: ClinVar variation 4081723 (VCV004081723.1).